The following is an entry in ClinVar:

ClinVar aggregate classification (germline): Benign. Review status: criteria provided, single submitter (1 of 4 stars). 2 submissions from 2 submitters: Benign (1). 1 of the submissions does not count toward it. Last evaluated 2019-12-31.

Conditions:
SEMA3D-related disorder. Also called: SEMA3D-related condition.

Allele frequency attached by ClinVar (database versions not stated): 1000 Genomes Project 30x 0.00078; 1000 Genomes Project 0.00100; TOPMed 0.00117; gnomAD 0.00132 and 0.00134; gnomAD exomes 0.00141 and 0.00209; ExAC 0.00148; ESP Exome Variant Server 0.00231.
gnomAD v4.1: 3,235 of 1,611,694 alleles (0.2%); highest among the groups gnomAD compares: Non-Finnish European, 0.25%; 6 homozygotes.

Submissions (2):

Labcorp Genetics (formerly Invitae), Labcorp
Classification: Benign. Last evaluated: 2019-12-31. Review status: criteria provided, single submitter. Criteria: Invitae Variant Classification Sherloc (09022015). Collection method: clinical testing. Allele origin: germline.

PreventionGenetics, part of Exact Sciences
Classification: Likely benign for SEMA3D-related condition. Last evaluated: 2021-07-12. Review status: no assertion criteria provided. Collection method: clinical testing. Allele origin: germline. Not counted in ClinVar's aggregate classification.
Comment: This variant is classified as likely benign based on ACMG/AMP sequence variant interpretation guidelines (Richards et al. 2015 PMID: 25741868, with internal and published modifications).

NM_001384900.1(SEMA3D):c.1602C>T (p.Cys534=)

Gene: SEMA3D (semaphorin 3D; minus strand). Cytogenetic location: 7q21.11.
Variant type: single nucleotide variant.
Coding change: c.1602C>T on transcript NM_001384900.1 (MANE Select); coding-DNA position 1602, C replaced by T.
Protein change: p.Cys534=; no amino-acid change (cysteine 534 retained).
Molecular consequence: synonymous variant.
Genome position (GRCh38, 1-based): chr7:85,015,160, G>A on the plus strand (C>T on the coding strand, the complement: SEMA3D is on the minus strand). VCF-style: chr7-85015160-G-A. GRCh37 (hg19) VCF-style: chr7-84644476-G-A.
Other names: c.1602C>T, p.Cys534= (NM_001384901.1, NM_001384902.1, NM_001384903.1 and 1 more transcripts).
Identifiers: ClinVar variation 787703 (VCV000787703.6), dbSNP rs145996926, ClinGen allele CA4323357.